The following is an entry in ClinVar:

NM_017999.5(RNF31):c.3195G>C (p.Gln1065His)

Gene: RNF31 (ring finger protein 31; plus strand). Cytogenetic location: 14q12.
Variant type: single nucleotide variant.
Coding change: c.3195G>C on transcript NM_017999.5 (MANE Select); coding-DNA position 3195, G replaced by C.
Protein change: p.Gln1065His; replaces glutamine 1065 with histidine.
Molecular consequence: missense variant.
Genome position (GRCh38, 1-based): chr14:24,160,549, G>C. VCF-style: chr14-24160549-G-C. GRCh37 (hg19) VCF-style: chr14-24629758-G-C.
Other names: c.2742G>C, p.Gln914His (NM_001310332.2); short protein forms Q1065H, Q914H.
Identifiers: ClinVar variation 4761471 (VCV004761471.1).

ClinVar aggregate classification (germline): Uncertain significance (1 of 4 stars; one submission).

gnomAD v4.1: 2 of 1,543,142 alleles (0.00013%); highest among the groups gnomAD compares: Non-Finnish European, 0.00018%; no homozygotes.

Submission:

Labcorp Genetics (formerly Invitae), Labcorp
Classification: Uncertain significance. Last evaluated: 2025-10-26. Review status: criteria provided, single submitter. Criteria: Invitae Variant Classification Sherloc (09022015). Collection method: clinical testing. Allele origin: germline.
Comment: This sequence change replaces glutamine, which is neutral and polar, with histidine, which is basic and polar, at codon 1065 of the RNF31 protein (p.Gln1065His). This variant is not present in population databases (gnomAD no frequency). This variant has not been reported in the literature in individuals affected with RNF31-related conditions. An algorithm developed to predict the effect of missense changes on protein structure and function (PolyPhen-2) suggests that this variant is likely to be tolerated. In summary, the available evidence is currently insufficient to determine the role of this variant in disease. Therefore, it has been classified as a Variant of Uncertain Significance.